The following is an entry in ClinVar:

ClinVar aggregate classification (germline): Likely pathogenic (1 of 4 stars; one submission).

Conditions:
ITGA2B-related disorder. Also called: ITGA2B-related condition; ITGA2B-related disorders.

Submission:

PreventionGenetics, part of Exact Sciences
Classification: Likely pathogenic for ITGA2B-related condition. Last evaluated: 2023-07-29. Review status: criteria provided, single submitter. Criteria: ACMG Guidelines, 2015. Collection method: clinical testing. Allele origin: germline.
Comment: The ITGA2B c.1296_1311del16 variant is predicted to result in a frameshift and premature protein termination (p.Arg433Trpfs*19). To our knowledge, this variant has not been reported in the literature or in a large population database, indicating this variant is rare. Frameshift variants in ITGA2B are expected to be pathogenic. This variant is interpreted as likely pathogenic.

NM_000419.5(ITGA2B):c.1296_1311del (p.Arg433fs)

Gene: ITGA2B (integrin subunit alpha 2b; minus strand). Cytogenetic location: 17q21.31.
Variant type: Deletion.
Coding change: c.1296_1311del on transcript NM_000419.5 (MANE Select); coding-DNA positions 1296 to 1311, 16 bases deleted (ACGTCCCTCCCAGGTC).
Protein change: p.Arg433fs; shifts the reading frame from arginine 433.
Molecular consequence: frameshift variant.
Genome position (GRCh38, 1-based): chr17:44,380,961-44,380,976, GACCTGGGAGGGACGT deleted on the plus strand (ACGTCCCTCCCAGGTC on the coding strand, the reverse complement: ITGA2B is on the minus strand); deleting any 16 consecutive bases within chr17:44,380,961-44,380,981 gives the same sequence; the c. name uses the placement nearest the transcript's 3' end. VCF-style (leftmost placement, unchanged base first): chr17-44380960-GGACCTGGGAGGGACGT-G. GRCh37 (hg19) VCF-style: chr17-42458328-GGACCTGGGAGGGACGT-G.
Other names: short protein forms R433fs.
Identifiers: ClinVar variation 2631435 (VCV002631435.1), dbSNP rs2510080503, ClinGen allele CA2695200263.